The following is an entry in ClinVar:

NM_004958.4(MTOR):c.5033dup (p.Val1679fs)

Gene: MTOR (mechanistic target of rapamycin kinase; minus strand). Cytogenetic location: 1p36.22.
Variant type: Duplication.
Coding change: c.5033dup on transcript NM_004958.4 (MANE Select); coding-DNA position 5033, one base duplicated (G; older notation c.5033dupG).
Protein change: p.Val1679fs; shifts the reading frame from valine 1679.
Molecular consequence: frameshift variant.
Genome position (GRCh38, 1-based): chr1:11,139,401, C duplicated on the plus strand (G on the coding strand, the reverse complement: MTOR is on the minus strand); the first of 3 consecutive C bases (chr1:11,139,401-11,139,403); duplicating any one gives the same sequence. VCF-style (leftmost placement, unchanged base first): chr1-11139400-T-TC. GRCh37 (hg19) VCF-style: chr1-11199457-T-TC.
Other names: c.5033dup, p.Val1679fs (NM_001386500.1); c.3785dup, p.Val1263fs (NM_001386501.1); short protein forms V1263fs, V1679fs.
Identifiers: ClinVar variation 3026974 (VCV003026974.22), dbSNP rs2100477503, ClinGen allele CA2740090514.

ClinVar aggregate classification (germline): Uncertain significance (1 of 4 stars; one submission).

Submission:

CeGaT Center for Human Genetics Tuebingen
Classification: Uncertain significance. Last evaluated: 2024-01-01. Review status: criteria provided, single submitter. Criteria: CeGaT Center For Human Genetics Tuebingen Variant Classification Criteria Version 2. Collection method: clinical testing. Allele origin: germline. Affected: yes. Observed: 1 variant allele.
Comment: MTOR: PM2